The following is an entry in ClinVar:

ClinVar aggregate classification (germline): Pathogenic/Likely pathogenic. Review status: criteria provided, multiple submitters, no conflicts (2 of 4 stars). 4 submissions from 4 submitters: Pathogenic (2); Likely pathogenic (2). Last evaluated 2026-08-01.

Conditions:
Familial hemiplegic migraine. Identifiers: MedGen C0338484, MONDO:0000700.
autosomal dominant ATP1A2-related disorders.
Epilepsy. Also called: Seizure disorder. Identifiers: MedGen C0014544, MeSH D004827, MONDO:0005027.

Submissions (4):

GeneDx
Classification: Pathogenic. Last evaluated: 2026-08-01. Review status: criteria provided, single submitter. Criteria: GeneDx Variant Classification Process June 2021. Collection method: clinical testing. Allele origin: germline.
Comment: Published functional studies demonstrate p.Y1009X results in loss of plasma membrane integration and subsequently loss of sodium/potassium pump activity (PMID: 24921013); Nonsense variant predicted to result in protein truncation as the last 12 amino acid(s) are lost; Not observed at significant frequency in large population cohorts (gnomAD); This variant is associated with the following publications: (PMID: 25525159, 18644608, 24921013, 27445835)

Variantyx, Inc.
Classification: Likely pathogenic for autosomal dominant ATP1A2-related disorders. Last evaluated: 2025-04-09. Review status: criteria provided, single submitter. Criteria: Variantyx Assertion Criteria 2022. Collection method: clinical testing. Allele origin: de novo. Inheritance: Autosomal dominant inheritance.
Comment: This is a nonsense variant in the ATP1A2 gene (OMIM: 182340). Pathogenic variants in this gene have been associated with autosomal dominant ATP1A2-related disorders. This variant likely occurred de novo in individuals reported in the published literature; however, the possibility of parental germline mosaicism cannot be excluded (PMID: 18644608) (PS2). This variant introduces a premature termination codon in exon 22 out of 23 andvis not expected to result in nonsense-mediated mRNA decay and a truncated protein may be produced (PM4). The alteration is predicted to truncate a well-established critical functional domain of the ATP1A2 protein, specifically the alpha-2 subunit of the Na+/K+-ATPase pump (PMID: 27445835, 24921013, 18957371, 18075585) (PM1). Functional studies have shown that this variant alters ATP1A2 protein function (PMID: 24921013, 27445835) (PS3). The variant is absent from control populations (PM2_Supporting). Based on the current evidence, this variant is classified as pathogenic for autosomal dominant ATP1A2-related disorders.

Labcorp Genetics (formerly Invitae), Labcorp
Classification: Pathogenic for Familial hemiplegic migraine. Last evaluated: 2022-02-11. Review status: criteria provided, single submitter. Criteria: Invitae Variant Classification Sherloc (09022015). Collection method: clinical testing. Allele origin: germline.
Comment: Experimental studies have shown that this premature translational stop signal affects ATP1A2 function (PMID: 24921013). For these reasons, this variant has been classified as Pathogenic. Algorithms developed to predict the effect of sequence changes on RNA splicing suggest that this variant may create or strengthen a splice site. Algorithms developed to predict the effect of variants on protein structure and function are not available or were not evaluated for this variant. ClinVar contains an entry for this variant (Variation ID: 692197). This premature translational stop signal has been observed in individual(s) with familial hemiplegic migraine (PMID: 18644608). In at least one individual the variant was observed to be de novo. This variant is not present in population databases (gnomAD no frequency). This sequence change creates a premature translational stop signal (p.Tyr1009*) in the ATP1A2 gene. While this is not anticipated to result in nonsense mediated decay, it is expected to disrupt the last 12 amino acid(s) of the ATP1A2 protein.

Clinical Molecular Genetics Laboratory, Johns Hopkins All Children's Hospital
Classification: Likely pathogenic for Epilepsy. Last evaluated: 2019-10-04. Review status: criteria provided, single submitter. Criteria: ACMG Guidelines, 2015. Collection method: clinical testing. Allele origin: germline. Inheritance: Autosomal dominant inheritance. Affected: yes. Observed: 1 heterozygote.

Literature cited by the submitters: PubMed 18644608 (cited by Variantyx, Inc. and Labcorp Genetics (formerly Invitae), Labcorp); PubMed 27445835 (cited by Variantyx, Inc.); PubMed 24921013 (cited by Variantyx, Inc. and Labcorp Genetics (formerly Invitae), Labcorp); PubMed 18957371 (cited by Variantyx, Inc.); PubMed 18075585 (cited by Variantyx, Inc.).

NM_000702.4(ATP1A2):c.3027T>A (p.Tyr1009Ter)

Gene: ATP1A2 (ATPase Na+/K+ transporting subunit alpha 2; plus strand). Cytogenetic location: 1q23.2.
Variant type: single nucleotide variant.
Coding change: c.3027T>A on transcript NM_000702.4 (MANE Select); coding-DNA position 3027, T replaced by A.
Protein change: p.Tyr1009Ter; replaces tyrosine 1009 with a stop codon.
Molecular consequence: nonsense.
Genome position (GRCh38, 1-based): chr1:160,139,977, T>A. VCF-style: chr1-160139977-T-A. GRCh37 (hg19) VCF-style: chr1-160109767-T-A.
Other names: c.3027T>A (NM_000702.3); short protein forms Y1009*.
Identifiers: ClinVar variation 692197 (VCV000692197.9), dbSNP rs1570998206, ClinGen allele CA343256736.
Genomic context (GRCh38, chr1:160,139,977, plus strand): 5'-CCCCTACAGCCTCCTCATCTTCATCTATGATGAGGTCCGAAAGCTCATCCTGCGGCGGTA[T>A]CCTGGTGGTAAGCCCCTCCACATTCCCCCCAGCAAAGTGCAAGCCCCACCACCAGCTCCT-3'